The following is an entry in ClinVar:

ClinVar aggregate classification (germline): Uncertain significance (1 of 4 stars; one submission).

Allele frequency attached by ClinVar (database versions not stated): gnomAD exomes below 0.00001.
gnomAD v4.1: 2 of 1,613,972 alleles (0.00012%); highest among the groups gnomAD compares: South Asian, 0.0011%; no homozygotes.

Submission:

Labcorp Genetics (formerly Invitae), Labcorp
Classification: Uncertain significance. Last evaluated: 2022-01-11. Review status: criteria provided, single submitter. Criteria: Invitae Variant Classification Sherloc (09022015). Collection method: clinical testing. Allele origin: germline.
Comment: In summary, the available evidence is currently insufficient to determine the role of this variant in disease. Therefore, it has been classified as a Variant of Uncertain Significance. Algorithms developed to predict the effect of missense changes on protein structure and function are either unavailable or do not agree on the potential impact of this missense change (SIFT: "Deleterious"; PolyPhen-2: "Not Available"; Align-GVGD: "Class C0"). This variant has not been reported in the literature in individuals affected with ASXL2-related conditions. This variant is not present in population databases (gnomAD no frequency). This sequence change replaces lysine, which is basic and polar, with arginine, which is basic and polar, at codon 247 of the ASXL2 protein (p.Lys247Arg).

NM_018263.6(ASXL2):c.740A>G (p.Lys247Arg)

Gene: ASXL2 (ASXL transcriptional regulator 2; minus strand). Cytogenetic location: 2p23.3.
Variant type: single nucleotide variant.
Coding change: c.740A>G on transcript NM_018263.6 (MANE Select); coding-DNA position 740, A replaced by G.
Protein change: p.Lys247Arg; replaces lysine 247 with arginine.
Molecular consequence: missense variant. On other transcripts: 5 prime UTR variant (1).
Genome position (GRCh38, 1-based): chr2:25,767,618, T>C on the plus strand (A>G on the coding strand, the complement: ASXL2 is on the minus strand). VCF-style: chr2-25767618-T-C. GRCh37 (hg19) VCF-style: chr2-25990487-T-C.
Other names: c.566A>G, p.Lys189Arg (NM_001369346.1); c.-41A>G (NM_001369347.1); short protein forms K189R, K247R.
Identifiers: ClinVar variation 2079638 (VCV002079638.4), dbSNP rs2088373144, ClinGen allele CA346081342.